The following is an entry in ClinVar:

ClinVar aggregate classification (germline): Benign (3 of 4 stars; one submission).

Conditions:
Breast-ovarian cancer, familial, susceptibility to, 2 (BROVCA2). Also called: BRCA2 Hereditary Breast and Ovarian Cancer. Identifiers: Orphanet 145, MedGen C2675520, MONDO:0012933, OMIM 612555. Disease mechanism: loss of function.

Allele frequency attached by ClinVar (database versions not stated): gnomAD 0.00091 and 0.00129; TOPMed 0.00153; 1000 Genomes Project 30x 0.00750; 1000 Genomes Project 0.00839.
gnomAD v4.1: 194 of 152,270 alleles (0.13%); highest among the groups gnomAD compares: East Asian, 3.5%; 4 homozygotes.

Submission:

Evidence-based Network for the Interpretation of Germline Mutant Alleles (ENIGMA)
Classification: Benign for Breast-ovarian cancer, familial 2. Last evaluated: 2015-01-12. Review status: reviewed by expert panel. Criteria: ENIGMA BRCA1/2 Classification Criteria (2015). Collection method: curation. Allele origin: germline.
Comment: Class 1 not pathogenic based on frequency >1% in an outbred sampleset. Frequency 0.02622 (Asian), derived from 1000 genomes (2012-04-30).

NM_000059.4(BRCA2):c.6841+1344G>T

Gene: BRCA2 (BRCA2 DNA repair associated; plus strand). Cytogenetic location: 13q13.1.
Variant type: single nucleotide variant.
Coding change: c.6841+1344G>T on transcript NM_000059.4 (MANE Select); 1344 bases into the intron after coding-DNA position 6841, G replaced by T.
Molecular consequence: intron variant.
Genome position (GRCh38, 1-based): chr13:32,342,540, G>T. VCF-style: chr13-32342540-G-T. GRCh37 (hg19) VCF-style: chr13-32916677-G-T.
Other names: IVS 11+1344G>T.
Identifiers: ClinVar variation 209698 (VCV000209698.1), dbSNP rs117883904, ClinGen allele CA276666.